The following is an entry in ClinVar:

NM_000081.4(LYST):c.1924G>T (p.Val642Phe)

Gene: LYST (lysosomal trafficking regulator; minus strand). Cytogenetic location: 1q42.3.
Variant type: single nucleotide variant.
Coding change: c.1924G>T on transcript NM_000081.4 (MANE Select); coding-DNA position 1924, G replaced by T.
Protein change: p.Val642Phe; replaces valine 642 with phenylalanine.
Molecular consequence: missense variant.
Genome position (GRCh38, 1-based): chr1:235,808,894, C>A on the plus strand (G>T on the coding strand, the complement: LYST is on the minus strand). VCF-style: chr1-235808894-C-A. GRCh37 (hg19) VCF-style: chr1-235972194-C-A.
Other names: c.1924G>T, p.Val642Phe (NM_001301365.1); short protein forms V642F.
Identifiers: ClinVar variation 1520817 (VCV001520817.7), dbSNP rs1673153081, ClinGen allele CA344961341.

ClinVar aggregate classification (germline): Uncertain significance (1 of 4 stars; one submission).

Conditions:
Chédiak-Higashi syndrome (CHS). Also called: Chediak-Higashi Syndrome. Identifiers: Orphanet 167, MedGen C0007965, MONDO:0008963, OMIM 214500.

Allele frequency attached by ClinVar (database versions not stated): TOPMed below 0.00001.
gnomAD v4.1: 1 of 1,613,670 alleles (0.000062%); highest among the groups gnomAD compares: Non-Finnish European, 0.000085%; no homozygotes.

Submission:

Labcorp Genetics (formerly Invitae), Labcorp
Classification: Uncertain significance for Chédiak-Higashi syndrome. Last evaluated: 2022-09-27. Review status: criteria provided, single submitter. Criteria: Invitae Variant Classification Sherloc (09022015). Collection method: clinical testing. Allele origin: germline.
Comment: Advanced modeling of protein sequence and biophysical properties (such as structural, functional, and spatial information, amino acid conservation, physicochemical variation, residue mobility, and thermodynamic stability) performed at Invitae indicates that this missense variant is not expected to disrupt LYST protein function. ClinVar contains an entry for this variant (Variation ID: 1520817). This variant has not been reported in the literature in individuals affected with LYST-related conditions. This variant is not present in population databases (gnomAD no frequency). This sequence change replaces valine, which is neutral and non-polar, with phenylalanine, which is neutral and non-polar, at codon 642 of the LYST protein (p.Val642Phe). In summary, the available evidence is currently insufficient to determine the role of this variant in disease. Therefore, it has been classified as a Variant of Uncertain Significance.